The following is an entry in ClinVar:

NM_000021.4(PSEN1):c.104G>A (p.Arg35Gln)

Gene: PSEN1 (presenilin 1; plus strand). Cytogenetic location: 14q24.2.
Variant type: single nucleotide variant.
Coding change: c.104G>A on transcript NM_000021.4 (MANE Select); coding-DNA position 104, G replaced by A.
Protein change: p.Arg35Gln; replaces arginine 35 with glutamine.
Molecular consequence: missense variant.
Genome position (GRCh38, 1-based): chr14:73,170,813, G>A. VCF-style: chr14-73170813-G-A. GRCh37 (hg19) VCF-style: chr14-73637521-G-A.
Other names: c.92G>A, p.Arg31Gln (NM_007318.3); short protein forms R35Q, R31Q.
Identifiers: ClinVar variation 98004 (VCV000098004.20), dbSNP rs63750592, ClinGen allele CA224981.
Genomic context (GRCh38, chr14:73,170,813, plus strand): 5'-GCTGAGAATCTGATTTACTGAAAATGTTTTTCTTGTGCTTATAGAATGACAATAGAGAAC[G>A]GCAGGAGCACAACGACAGACGGAGCCTTGGCCACCCTGAGCCATTATCTAATGGACGACC-3'
Protein context (NP_000012.1, residues 25-45): TVRSQNDNRE[Arg35Gln]QEHNDRRSLG

ClinVar aggregate classification (germline): Conflicting classifications of pathogenicity. Review status: criteria provided, conflicting classifications (1 of 4 stars). 9 submissions from 8 submitters: Uncertain significance (3); Benign (1); Likely benign (4). 1 of the submissions does not count toward it. Last evaluated 2026-07-08.

Conditions:
PSEN1-related disorder. Also called: PSEN1-related condition.
Frontotemporal dementia (FTD1). Also called: WILHELMSEN-LYNCH DISEASE; FRONTOTEMPORAL DEMENTIA WITH PARKINSONISM; FRONTOTEMPORAL LOBE DEMENTIA; MULTIPLE SYSTEM TAUOPATHY WITH PRESENILE DEMENTIA; FRONTOTEMPORAL LOBAR DEGENERATION WITH TAU INCLUSIONS; FTLD WITH TAU INCLUSIONS. Identifiers: Orphanet 282, MedGen C0338451, MONDO:0017276, OMIM 600274, HP:0002145.
Pick disease. Also called: PICK DISEASE OF BRAIN; LOBAR ATROPHY OF BRAIN; Pick's disease; Pick Disease of the Brain; DEMENTIA WITH LOBAR ATROPHY AND NEURONAL CYTOPLASMIC INCLUSIONS. Identifiers: Orphanet 282, MedGen C0236642, MONDO:0008243, OMIM 172700.
Alzheimer disease 3 (AD3). Also called: ALZHEIMER DISEASE, FAMILIAL, 3. Identifiers: Orphanet 1020, MedGen C1843013, MONDO:0011913, OMIM 607822.
Acne inversa, familial, 3 (ACNINV3). Identifiers: MedGen C3151038, MONDO:0013398, OMIM 613737.
Dilated cardiomyopathy 1U. Identifiers: Orphanet 154, MedGen C3160720, MONDO:0013371, OMIM 613694.
Alzheimer disease. Also called: Presenile and senile dementia; Alzheimer's disease. Identifiers: Orphanet 1020, MedGen C0002395, MeSH D000544, MONDO:0004975, HP:0002511.

Allele frequency attached by ClinVar (database versions not stated): ExAC 0.00017; gnomAD exomes 0.00018 and 0.00040; gnomAD 0.00028 and 0.00030; TOPMed 0.00028; ESP Exome Variant Server 0.00038.
gnomAD v4.1: 614 of 1,614,082 alleles (0.038%); highest among the groups gnomAD compares: Non-Finnish European, 0.048%; 1 homozygote.

Submissions (9):

PreventionGenetics, part of Exact Sciences
Classification: Uncertain significance for PSEN1-related condition. Last evaluated: 2026-07-08. Review status: criteria provided, single submitter. Criteria: ACMG Guidelines, 2015. Collection method: clinical testing. Allele origin: germline.
Comment: The PSEN1 c.104G>A variant is predicted to result in the amino acid substitution p.Arg35Gln. This variant has been reported in several individuals with dementia (Rogaeva et al. 2001. PubMed ID: 11524469; Benitez et al. 2013. PubMed ID: 23990795; Nicolas et al. 2016. PubMed ID: 26242991), but it has also been documented in unaffected controls (Guerreiro et al. 2010. PubMed ID: 18667258; Nicolas et al. 2016. PubMed ID: 26242991). Functional analysis in vitro suggested that this variant reduces the secretase activity of the enzyme by approximately one half, but it is not clear whether that is sufficient to cause disease (Sun et al. 2017. PubMed ID: 27930341). This variant is reported in 0.029% of alleles in individuals of Ashkenazi Jewish descent in gnomAD. Although we suspect that this variant may be benign, at this time, the clinical significance of this variant is uncertain due to the absence of conclusive functional and genetic evidence.

Labcorp Genetics (formerly Invitae), Labcorp
Classification: Likely benign for Alzheimer disease 3; Pick disease; Acne inversa, familial, 3; Frontotemporal dementia. Last evaluated: 2025-11-27. Review status: criteria provided, single submitter. Criteria: Invitae Variant Classification Sherloc (09022015). Collection method: clinical testing. Allele origin: germline.

Women's Health and Genetics/Laboratory Corporation of America, LabCorp
Classification: Likely benign. Last evaluated: 2025-05-06. Review status: criteria provided, single submitter. Criteria: LabCorp Variant Classification Summary - May 2015. Collection method: clinical testing. Allele origin: germline.
Comment: Variant summary: PSEN1 c.104G>A (p.Arg35Gln) results in a conservative amino acid change in the encoded protein sequence. Algorithms developed to predict the effect of missense changes on protein structure and function are either unavailable or do not agree on the potential impact of this missense change. The variant allele was found at a frequency of 0.00038 in 1614082 control chromosomes in the gnomAD database, including 1 homozygotes. This frequency is not significantly higher than estimated for a pathogenic variant in PSEN1 causing Alzheimer Disease, Type 3, allowing no conclusion about variant significance. c.104G>A has been reported in the literature in individuals affected with Alzheimer Disease, Type 3 without strong evidence for causality and non-segregation has been reported in one family (e.g. Rogaeva_2001, Raux_2005, Guerreiro_2010, Rehker_2017). Experimental evidence evaluating an impact on protein function showed moderate to no effect of this variant on amyloid beta 42/40 pepitide ratios in vitro compared to the WT protein (e.g. Sun_2017, Hsu_2020, Petit_2022). The following publications have been ascertained in the context of this evaluation (PMID: 18667258, 32087291, 35365805, 28985224, 11524469, 27930341). ClinVar contains an entry for this variant (Variation ID: 98004). Based on the evidence outlined above, the variant was classified as likely benign.

Athena Diagnostics
Classification: Likely benign. Last evaluated: 2024-05-07. Review status: criteria provided, single submitter. Criteria: Athena Diagnostics Criteria. Collection method: clinical testing. Allele origin: unknown.

GeneDx
Classification: Benign. Last evaluated: 2021-05-28. Review status: criteria provided, single submitter. Criteria: GeneDx Variant Classification Process June 2021. Collection method: clinical testing. Allele origin: germline. Affected: yes.
Comment: This variant is associated with the following publications: (PMID: 28554858, 16923167, 26159191, 32087291, 30924900, 27930341, 11524469, 23990795, 18667258, 23861362)

Illumina Laboratory Services, Illumina
Classification: Likely benign for Dilated cardiomyopathy 1U. Last evaluated: 2017-09-12. Review status: criteria provided, single submitter. Criteria: ICSL Variant Classification Criteria 13 December 2019. Collection method: clinical testing. Allele origin: germline.
Comment: This variant was observed as part of a predisposition screen in an ostensibly healthy population. A literature search was performed for the gene, cDNA change, and amino acid change (where applicable). Publications were found based on this search. The evidence from the literature, in combination with allele frequency data from public databases where available, was sufficient to determine this variant is unlikely to cause disease. Therefore, this variant is classified as likely benign.

Illumina Laboratory Services, Illumina
Classification: Uncertain significance for Alzheimer disease 3. Last evaluated: 2017-09-12. Review status: criteria provided, single submitter. Criteria: ICSL Variant Classification Criteria 13 December 2019. Collection method: clinical testing. Allele origin: germline.
Comment: This variant was observed as part of a predisposition screen in an ostensibly healthy population. A literature search was performed for the gene, cDNA change, and amino acid change (where applicable). Publications were found based on this search. However, the evidence from the literature, in combination with allele frequency data from public databases where available, was not sufficient to rule this variant in or out of causing disease. Therefore, this variant is classified as a variant of unknown significance.

Biesecker Lab/Clinical Genomics Section, National Institutes of Health
Classification: Uncertain significance for Alzheimer disease. Last evaluated: 2013-06-24. Review status: criteria provided, single submitter. Criteria: Ng et al. (Circ Cardiovasc Genet. 2013). Collection method: research. Allele origin: unknown. Observed: 1 variant allele. Study: ClinSeq.
Comment: The study set was not selected for affection status in relation to any cancer. Pathogenicity categories were based on literature curation. See Pubmed ID:23861362 for details.

Medical sequencing

VIB  Department of Molecular Genetics, University of Antwerp
No classification provided. Review status: no classification provided. Collection method: not provided. Allele origin: unknown. Not counted in ClinVar's aggregate classification.

Literature cited by the submitters: PubMed 27930341 (cited by 3 submitters); PubMed 11524469 (cited by 3 submitters); PubMed 28985224 (cited by Women's Health and Genetics/Laboratory Corporation of America, LabCorp); PubMed 32087291 (cited by Women's Health and Genetics/Laboratory Corporation of America, LabCorp and Athena Diagnostics); PubMed 18667258 (cited by 3 submitters); PubMed 35365805 (cited by Women's Health and Genetics/Laboratory Corporation of America, LabCorp and Athena Diagnostics); PubMed 16033913 (cited by Women's Health and Genetics/Laboratory Corporation of America, LabCorp and Athena Diagnostics); PubMed 36133075 (cited by Athena Diagnostics); PubMed 32468481 (cited by Athena Diagnostics); PubMed 30412504 (cited by Athena Diagnostics); PubMed 27329738 (cited by Athena Diagnostics); PubMed 23861362 (cited by Athena Diagnostics and Illumina Laboratory Services, Illumina); PubMed 29970176 (cited by Athena Diagnostics); PubMed 29590070 (cited by Athena Diagnostics); PubMed 30924900 (cited by Athena Diagnostics); PubMed 26159191 (cited by Athena Diagnostics); PubMed 28554858 (cited by Athena Diagnostics and Illumina Laboratory Services, Illumina); PubMed 26242991 (cited by Athena Diagnostics and Illumina Laboratory Services, Illumina); PubMed 23990795 (cited by Athena Diagnostics and Illumina Laboratory Services, Illumina); PubMed 34102969 (cited by Athena Diagnostics); PubMed 16923167 (cited by Illumina Laboratory Services, Illumina); PubMed 16669732 (cited by Illumina Laboratory Services, Illumina); PubMed 17854491 (cited by Illumina Laboratory Services, Illumina).